The following is an entry in ClinVar:

NM_001374353.1(GLI2):c.845+10G>A

Gene: GLI2 (GLI family zinc finger 2; plus strand). Cytogenetic location: 2q14.2.
Variant type: single nucleotide variant.
Coding change: c.845+10G>A on transcript NM_001374353.1 (MANE Select); 10 bases into the intron after coding-DNA position 845, G replaced by A.
Molecular consequence: intron variant.
Genome position (GRCh38, 1-based): chr2:120,968,925, G>A. VCF-style: chr2-120968925-G-A. GRCh37 (hg19) VCF-style: chr2-121726501-G-A.
Other names: c.845+10G>A (NM_001371271.1, NM_005270.5); c.470+10G>A (NM_001374354.1).
Identifiers: ClinVar variation 330968 (VCV000330968.16), dbSNP rs199673018, ClinGen allele CA1851675.

ClinVar aggregate classification (germline): Likely benign. Review status: criteria provided, multiple submitters, no conflicts (2 of 4 stars). 3 submissions from 3 submitters: Likely benign (2). 1 of the submissions does not count toward it. Last evaluated 2025-08-18.

Conditions:
Holoprosencephaly 9 (HPE9). Also called: PITUITARY ANOMALIES WITH HOLOPROSENCEPHALY-LIKE FEATURES; HOLOPROSENCEPHALY WITH MICROPHTHALMIA AND FIRST BRANCHIAL ARCH ANOMALIES. Identifiers: Orphanet 2162, MedGen C1835819, MONDO:0012563, OMIM 610829.
Postaxial polydactyly-anterior pituitary anomalies-facial dysmorphism syndrome. Also called: Culler-Jones syndrome. Identifiers: Orphanet 420584, MedGen C4014479, MONDO:0014369, OMIM 615849.
GLI2-related disorder. Also called: GLI2-related disorders; GLI2-related condition.

Allele frequency attached by ClinVar (database versions not stated): ESP Exome Variant Server 0.00008; gnomAD 0.00015 and 0.00023; gnomAD exomes 0.00020 and 0.00031; TOPMed 0.00021; ExAC 0.00029; 1000 Genomes Project 30x 0.00047; 1000 Genomes Project 0.00060.
gnomAD v4.1: 332 of 1,604,076 alleles (0.021%); highest among the groups gnomAD compares: East Asian, 0.098%; 2 homozygotes.

Submissions (3):

Labcorp Genetics (formerly Invitae), Labcorp
Classification: Likely benign for Postaxial polydactyly-anterior pituitary anomalies-facial dysmorphism syndrome; Holoprosencephaly 9. Last evaluated: 2025-08-18. Review status: criteria provided, single submitter. Criteria: Invitae Variant Classification Sherloc (09022015). Collection method: clinical testing. Allele origin: germline.

Illumina Laboratory Services, Illumina
Classification: Likely benign for Holoprosencephaly 9. Last evaluated: 2018-01-13. Review status: criteria provided, single submitter. Criteria: ICSL Variant Classification Criteria 13 December 2019. Collection method: clinical testing. Allele origin: germline.
Comment: This variant was observed in the ICSL laboratory as part of a predisposition screen in an ostensibly healthy population. It had not been previously curated by ICSL or reported in the Human Gene Mutation Database (HGMD: prior to June 1st, 2018), and was therefore a candidate for classification through an automated scoring system. Utilizing variant allele frequency, disease prevalence and penetrance estimates, and inheritance mode, an automated score was calculated to assess if this variant is too frequent to cause the disease. Based on the score and internal cut-off values, a variant classified as likely benign is not then subjected to further curation. The score for this variant resulted in a classification of likely benign for this disease.

PreventionGenetics, part of Exact Sciences
Classification: Likely benign for GLI2-related condition. Last evaluated: 2019-05-21. Review status: no assertion criteria provided. Collection method: clinical testing. Allele origin: germline. Not counted in ClinVar's aggregate classification.
Comment: This variant is classified as likely benign based on ACMG/AMP sequence variant interpretation guidelines (Richards et al. 2015 PMID: 25741868, with internal and published modifications).